The following is an entry in ClinVar:

ClinVar aggregate classification (germline): Uncertain significance (1 of 4 stars; one submission).

gnomAD v4.1: 8 of 1,612,806 alleles (0.0005%); highest among the groups gnomAD compares: Admixed American, 0.0017%; no homozygotes.

Submission:

Ambry Genetics
Classification: Uncertain significance. Last evaluated: 2025-06-18. Review status: criteria provided, single submitter. Criteria: Ambry Variant Classification Scheme 2023. Collection method: clinical testing. Allele origin: germline.
Comment: The c.779A>G (p.Q260R) alteration is located in exon (coding exon ) of the SH3RF3 gene. This alteration results from a A to G substitution at nucleotide position 779, causing the glutamine (Q) at amino acid position 260 to be replaced by an arginine (R). Based on insufficient or conflicting evidence, the clinical significance of this alteration remains unclear.

NM_001099289.3(SH3RF3):c.779A>G (p.Gln260Arg)

Genes: RANBP2 (RAN binding protein 2; plus strand), SH3RF3 (SH3 domain containing ring finger 3; plus strand). Cytogenetic location: 2q13.
Variant type: single nucleotide variant.
Coding change: c.779A>G on transcript NM_001099289.3 (MANE Select); coding-DNA position 779, A replaced by G.
Protein change: p.Gln260Arg; replaces glutamine 260 with arginine.
Molecular consequence: missense variant.
Genome position (GRCh38, 1-based): chr2:109,347,879, A>G. VCF-style: chr2-109347879-A-G. GRCh37 (hg19) VCF-style: chr2-109964335-A-G.
Other names: short protein forms Q260R.
Identifiers: ClinVar variation 4164362 (VCV004164362.1).